The following is an entry in ClinVar:

NM_020686.6(ABAT):c.1492G>A (p.Asp498Asn)

Gene: ABAT (4-aminobutyrate aminotransferase; plus strand). Cytogenetic location: 16p13.2.
Variant type: single nucleotide variant.
Coding change: c.1492G>A on transcript NM_020686.6 (MANE Select); coding-DNA position 1492, G replaced by A.
Protein change: p.Asp498Asn; replaces aspartic acid 498 with asparagine.
Molecular consequence: missense variant. On other transcripts: 3 prime UTR variant (2).
Genome position (GRCh38, 1-based): chr16:8,781,419, G>A. VCF-style: chr16-8781419-G-A. GRCh37 (hg19) VCF-style: chr16-8875276-G-A.
Other names: c.1492G>A, p.Asp498Asn (NM_000663.5, NM_001127448.2, NM_001386600.1 and 4 more transcripts); c.1453G>A, p.Asp485Asn (NM_001386605.1); c.1429G>A, p.Asp477Asn (NM_001386606.1, NM_001386607.1); c.1399G>A, p.Asp467Asn (NM_001386608.1); c.*3G>A (NM_001386609.1, NM_001386616.1); c.1357G>A, p.Asp453Asn (NM_001386610.1, NM_001386611.1); c.1294G>A, p.Asp432Asn (NM_001386612.1, NM_001386613.1); c.1246G>A, p.Asp416Asn (NM_001386614.1); and 1 more; short protein forms D416N, D477N, D432N, D485N, D453N, D467N, D498N, D530N.
Identifiers: ClinVar variation 2154610 (VCV002154610.1), dbSNP rs1485217799, ClinGen allele CA394691740.

ClinVar aggregate classification (germline): Uncertain significance (1 of 4 stars; one submission).

Conditions:
Gamma-aminobutyric acid transaminase deficiency (GABATD). Also called: GABA transaminase deficiency; Gamma aminobutyrate transaminase deficiency; 4 alpha aminobutyrate transaminase deficiency; GABA aminotransaminase deficiency. Identifiers: Orphanet 2066, MedGen C0342708, MONDO:0013166, OMIM 613163.

Submission:

Labcorp Genetics (formerly Invitae), Labcorp
Classification: Uncertain significance for Gamma-aminobutyric acid transaminase deficiency. Last evaluated: 2021-09-01. Review status: criteria provided, single submitter. Criteria: Invitae Variant Classification Sherloc (09022015). Collection method: clinical testing. Allele origin: germline.
Comment: This sequence change replaces aspartic acid with asparagine at codon 498 of the ABAT protein (p.Asp498Asn). The aspartic acid residue is moderately conserved and there is a small physicochemical difference between aspartic acid and asparagine. This variant is not present in population databases (ExAC no frequency). This variant has not been reported in the literature in individuals affected with ABAT-related conditions. Algorithms developed to predict the effect of missense changes on protein structure and function output the following: SIFT: "Tolerated"; PolyPhen-2: "Benign"; Align-GVGD: "Class C0". The asparagine amino acid residue is found in multiple mammalian species, which suggests that this missense change does not adversely affect protein function. In summary, the available evidence is currently insufficient to determine the role of this variant in disease. Therefore, it has been classified as a Variant of Uncertain Significance.